The following is an entry in ClinVar:

NM_015178.3(RHOBTB2):c.1701C>T (p.Pro567=)

Gene: RHOBTB2 (Rho related BTB domain containing 2; plus strand). Cytogenetic location: 8p21.3.
Variant type: single nucleotide variant.
Coding change: c.1701C>T on transcript NM_015178.3 (MANE Select); coding-DNA position 1701, C replaced by T.
Protein change: p.Pro567=; no amino-acid change (proline 567 retained).
Molecular consequence: synonymous variant.
Genome position (GRCh38, 1-based): chr8:23,010,618, C>T. VCF-style: chr8-23010618-C-T. GRCh37 (hg19) VCF-style: chr8-22868131-C-T.
Other names: c.1767C>T, p.Pro589= (NM_001160036.2); c.1722C>T, p.Pro574= (NM_001160037.2); c.1701C>T, p.Pro567= (NM_001374791.1).
Identifiers: ClinVar variation 1611705 (VCV001611705.33), dbSNP rs145761272, ClinGen allele CA4672740.

ClinVar aggregate classification (germline): Benign/Likely benign. Review status: criteria provided, multiple submitters, no conflicts (2 of 4 stars). 3 submissions from 3 submitters: Benign (1); Likely benign (2). Last evaluated 2026-01-05.

Allele frequency attached by ClinVar (database versions not stated): gnomAD exomes 0.00005 and 0.00009; ExAC 0.00013; 1000 Genomes Project 30x 0.00016; gnomAD 0.00044 and 0.00049; ESP Exome Variant Server 0.00046.
gnomAD v4.1: 140 of 1,614,212 alleles (0.0087%); highest among the groups gnomAD compares: African/African-American, 0.15%; no homozygotes.

Submissions (3):

Labcorp Genetics (formerly Invitae), Labcorp
Classification: Benign. Last evaluated: 2026-01-05. Review status: criteria provided, single submitter. Criteria: Invitae Variant Classification Sherloc (09022015). Collection method: clinical testing. Allele origin: germline.

Blueprint Genetics
Classification: Likely benign. Last evaluated: 2024-07-14. Review status: criteria provided, single submitter. Criteria: ACMG Guidelines, 2015. Collection method: clinical testing. Allele origin: germline.

CeGaT Center for Human Genetics Tuebingen
Classification: Likely benign. Last evaluated: 2023-05-01. Review status: criteria provided, single submitter. Criteria: CeGaT Center For Human Genetics Tuebingen Variant Classification Criteria Version 2. Collection method: clinical testing. Allele origin: germline. Affected: yes. Observed: 1 variant allele.
Comment: RHOBTB2: BP4, BP7